The following is an entry in ClinVar:

NM_153240.5(NPHP3):c.2263A>C (p.Ile755Leu)

Genes: NPHP3-ACAD11 (NPHP3-ACAD11 readthrough (NMD candidate); minus strand), NPHP3 (nephrocystin 3; minus strand). Cytogenetic location: 3q22.1.
Variant type: single nucleotide variant.
Coding change: c.2263A>C on transcript NM_153240.5 (MANE Select); coding-DNA position 2263, A replaced by C.
Protein change: p.Ile755Leu; replaces isoleucine 755 with leucine.
Molecular consequence: missense variant. On other transcripts: non-coding transcript variant (1).
Genome position (GRCh38, 1-based): chr3:132,694,874, T>G on the plus strand (A>C on the coding strand, the complement: NPHP3 is on the minus strand). VCF-style: chr3-132694874-T-G. GRCh37 (hg19) VCF-style: chr3-132413718-T-G.
Other names: short protein forms I755L.
Identifiers: ClinVar variation 845023 (VCV000845023.9), dbSNP rs772613405, ClinGen allele CA2622066.

ClinVar aggregate classification (germline): Uncertain significance. Review status: criteria provided, multiple submitters, no conflicts (2 of 4 stars). 2 submissions from 2 submitters: Uncertain significance (2). Last evaluated 2024-05-29.

Conditions:
Nephronophthisis. Also called: Juvenile Nephronophthisis. Identifiers: Orphanet 655, MedGen C0687120, MONDO:0019005, HP:0000090.
Renal-hepatic-pancreatic dysplasia 1 (RHPD1). Identifiers: MedGen C3715199, MONDO:0008833, OMIM 208540.
Nephronophthisis 3 (NPHP3). Also called: Adolescent nephronophthisis. Identifiers: Orphanet 655, MedGen C1858392, MONDO:0011456, OMIM 604387.
NPHP3-related Meckel-like syndrome. Also called: GOLDSTON SYNDROME; Meckel syndrome type 7. Identifiers: Orphanet 3032, MedGen C2673885, MONDO:0009966, OMIM 267010.

Allele frequency attached by ClinVar (database versions not stated): ExAC 0.00001; gnomAD exomes 0.00001; TOPMed 0.00002.
gnomAD v4.1: 14 of 1,613,682 alleles (0.00087%); highest among the groups gnomAD compares: African/African-American, 0.0027%; no homozygotes.

Submissions (2):

Fulgent Genetics
Classification: Uncertain significance for Renal-hepatic-pancreatic dysplasia 1; NPHP3-related Meckel-like syndrome; Nephronophthisis 3. Last evaluated: 2024-05-29. Review status: criteria provided, single submitter. Criteria: ACMG Guidelines, 2015. Collection method: clinical testing. Allele origin: germline.

Labcorp Genetics (formerly Invitae), Labcorp
Classification: Uncertain significance for Nephronophthisis. Last evaluated: 2021-09-01. Review status: criteria provided, single submitter. Criteria: Invitae Variant Classification Sherloc (09022015). Collection method: clinical testing. Allele origin: germline.
Comment: This sequence change replaces isoleucine with leucine at codon 755 of the NPHP3 protein (p.Ile755Leu). The isoleucine residue is moderately conserved and there is a small physicochemical difference between isoleucine and leucine. This variant is present in population databases (rs772613405, ExAC 0.02%). This variant has not been reported in the literature in individuals affected with NPHP3-related conditions. Algorithms developed to predict the effect of missense changes on protein structure and function (SIFT, PolyPhen-2, Align-GVGD) all suggest that this variant is likely to be tolerated. In summary, the available evidence is currently insufficient to determine the role of this variant in disease. Therefore, it has been classified as a Variant of Uncertain Significance.